The following is an entry in ClinVar:

NM_003413.4(ZIC3):c.571del (p.Glu191fs)

Gene: ZIC3 (Zic family zinc finger 3; plus strand). Cytogenetic location: Xq26.3.
Variant type: Deletion.
Coding change: c.571del on transcript NM_003413.4 (MANE Select); coding-DNA position 571, one base deleted (G; older notation c.571delG).
Protein change: p.Glu191fs; shifts the reading frame from glutamic acid 191.
Molecular consequence: frameshift variant.
Genome position (GRCh38, 1-based): chrX:137,567,262, G deleted; the last of 4 consecutive G bases (chrX:137,567,259-137,567,262); deleting any one gives the same sequence. VCF-style (leftmost placement, unchanged base first): chrX-137567258-TG-T. GRCh37 (hg19) VCF-style: chrX-136649417-TG-T.
Other names: c.571del, p.Glu191fs (NM_001330661.1); short protein forms E191fs.
Identifiers: ClinVar variation 645837 (VCV000645837.6), dbSNP rs1602742808, ClinGen allele CA915952402.

ClinVar aggregate classification (germline): Pathogenic (1 of 4 stars; one submission).

Conditions:
Heterotaxy, visceral, 1, X-linked (HTX1). Also called: SITUS INVERSUS, COMPLEX CARDIAC DEFECTS, AND SPLENIC DEFECTS, X-LINKED; DEXTROCARDIA WITH OTHER CARDIAC MALFORMATIONS; Laterality, X-linked; Visceral heterotaxia. Identifiers: Orphanet 450, MedGen C1844020, MONDO:0010607, OMIM 306955.

Submission:

Labcorp Genetics (formerly Invitae), Labcorp
Classification: Pathogenic for Heterotaxy, visceral, 1, X-linked. Last evaluated: 2022-07-05. Review status: criteria provided, single submitter. Criteria: Invitae Variant Classification Sherloc (09022015). Collection method: clinical testing. Allele origin: germline.
Comment: This sequence change creates a premature translational stop signal (p.Glu191Serfs*32) in the ZIC3 gene. It is expected to result in an absent or disrupted protein product. Loss-of-function variants in ZIC3 are known to be pathogenic (PMID: 24123890). This variant is not present in population databases (gnomAD no frequency). This variant has not been reported in the literature in individuals affected with ZIC3-related conditions. ClinVar contains an entry for this variant (Variation ID: 645837). For these reasons, this variant has been classified as Pathogenic.

Literature cited by the submitters: PubMed 24123890.